The following is an entry in ClinVar:

ClinVar aggregate classification (germline): Uncertain significance. Review status: criteria provided, multiple submitters, no conflicts (2 of 4 stars). 2 submissions from 2 submitters: Uncertain significance (2). Last evaluated 2024-05-02.

Conditions:
Bloom syndrome (BLM). Also called: Bloom-Torre-Machacek syndrome. Identifiers: Orphanet 125, MedGen C0005859, MONDO:0008876, OMIM 210900.
Hereditary cancer-predisposing syndrome. Also called: Hereditary Cancer Syndrome; Neoplastic Syndromes, Hereditary; Hereditary neoplastic syndrome; Tumor predisposition. Identifiers: Orphanet 140162, MedGen C0027672, MeSH D009386, MONDO:0015356.

Submissions (2):

Ambry Genetics
Classification: Uncertain significance for Hereditary cancer-predisposing syndrome. Last evaluated: 2024-05-02. Review status: criteria provided, single submitter. Criteria: Ambry Variant Classification Scheme 2023. Collection method: clinical testing. Allele origin: germline.
Comment: The p.D234G variant (also known as c.701A>G), located in coding exon 2 of the BLM gene, results from an A to G substitution at nucleotide position 701. The aspartic acid at codon 234 is replaced by glycine, an amino acid with similar properties. This amino acid position is conserved. In addition, this alteration is predicted to be tolerated by in silico analysis. Based on the available evidence, the clinical significance of this variant remains unclear.

Labcorp Genetics (formerly Invitae), Labcorp
Classification: Uncertain significance for Bloom syndrome. Last evaluated: 2023-12-31. Review status: criteria provided, single submitter. Criteria: Invitae Variant Classification Sherloc (09022015). Collection method: clinical testing. Allele origin: germline.
Comment: This sequence change replaces aspartic acid, which is acidic and polar, with glycine, which is neutral and non-polar, at codon 234 of the BLM protein (p.Asp234Gly). This variant is not present in population databases (gnomAD no frequency). This variant has not been reported in the literature in individuals affected with BLM-related conditions. Algorithms developed to predict the effect of missense changes on protein structure and function output the following: SIFT: "Not Available"; PolyPhen-2: "Benign"; Align-GVGD: "Not Available". The glycine amino acid residue is found in multiple mammalian species, which suggests that this missense change does not adversely affect protein function. In summary, the available evidence is currently insufficient to determine the role of this variant in disease. Therefore, it has been classified as a Variant of Uncertain Significance.

NM_000057.4(BLM):c.701A>G (p.Asp234Gly)

Gene: BLM (BLM RecQ like helicase; plus strand). Cytogenetic location: 15q26.1.
Variant type: single nucleotide variant.
Coding change: c.701A>G on transcript NM_000057.4 (MANE Select); coding-DNA position 701, A replaced by G.
Protein change: p.Asp234Gly; replaces aspartic acid 234 with glycine.
Molecular consequence: missense variant. On other transcripts: 5 prime UTR variant (1).
Genome position (GRCh38, 1-based): chr15:90,749,969, A>G. VCF-style: chr15-90749969-A-G. GRCh37 (hg19) VCF-style: chr15-91293199-A-G.
Other names: c.701A>G, p.Asp234Gly (NM_001287246.2, NM_001287247.2); c.-591A>G (NM_001287248.2); short protein forms D234G.
Identifiers: ClinVar variation 2738926 (VCV002738926.4), dbSNP rs1895634297, ClinGen allele CA393841374.